The following is an entry in ClinVar:

NM_005121.3(MED13):c.6407A>T (p.Gln2136Leu)

Gene: MED13 (mediator complex subunit 13; minus strand). Cytogenetic location: 17q23.2.
Variant type: single nucleotide variant.
Coding change: c.6407A>T on transcript NM_005121.3 (MANE Select); coding-DNA position 6407, A replaced by T.
Protein change: p.Gln2136Leu; replaces glutamine 2136 with leucine.
Molecular consequence: missense variant.
Genome position (GRCh38, 1-based): chr17:61,946,586, T>A on the plus strand (A>T on the coding strand, the complement: MED13 is on the minus strand). VCF-style: chr17-61946586-T-A. GRCh37 (hg19) VCF-style: chr17-60023947-T-A.
Other names: short protein forms Q2136L.
Identifiers: ClinVar variation 4535085 (VCV004535085.6).

ClinVar aggregate classification (germline): Uncertain significance (1 of 4 stars; one submission).

Submission:

CeGaT Center for Human Genetics Tuebingen
Classification: Uncertain significance. Last evaluated: 2025-10-01. Review status: criteria provided, single submitter. Criteria: CeGaT Center For Human Genetics Tuebingen Variant Classification Criteria Version 2. Collection method: clinical testing. Allele origin: germline. Affected: yes. Observed: 1 variant allele.
Comment: MED13: PM2, PP3